The following is an entry in ClinVar:

NM_004329.3(BMPR1A):c.542A>G (p.Lys181Arg)

Gene: BMPR1A (bone morphogenetic protein receptor type 1A; plus strand). Cytogenetic location: 10q23.2.
Variant type: single nucleotide variant.
Coding change: c.542A>G on transcript NM_004329.3 (MANE Select); coding-DNA position 542, A replaced by G.
Protein change: p.Lys181Arg; replaces lysine 181 with arginine.
Molecular consequence: missense variant.
Genome position (GRCh38, 1-based): chr10:86,912,251, A>G. VCF-style: chr10-86912251-A-G. GRCh37 (hg19) VCF-style: chr10-88672008-A-G.
Other names: short protein forms K181R.
Identifiers: ClinVar variation 653659 (VCV000653659.11), dbSNP rs1446889676, ClinGen allele CA377454130.
Genomic context (GRCh38, chr10:86,912,251, plus strand): 5'-TTTATAGTTTTTCATTTTTAATGTAGATTGTTTTCTGCTTTTTTAAAAGACATTATTGCA[A>G]GAGCATCTCAAGCAGACGTCGTTACAATCGTGATTTGGAACAGGATGAAGCATTTATTCC-3'
Protein context (NP_004320.2, residues 171-191): SSCFCYKHYC[Lys181Arg]SISSRRRYNR

ClinVar aggregate classification (germline): Uncertain significance. Review status: criteria provided, multiple submitters, no conflicts (2 of 4 stars). 2 submissions from 2 submitters: Uncertain significance (2). Last evaluated 2024-05-30.

Conditions:
Juvenile polyposis syndrome (JPS). Identifiers: Orphanet 2929, MedGen C0345893, MONDO:0017380, OMIM 174900.

Allele frequency attached by ClinVar (database versions not stated): TOPMed below 0.00001.

Submissions (2):

All of Us Research Program, National Institutes of Health
Classification: Uncertain significance for Juvenile polyposis syndrome. Last evaluated: 2024-05-30. Review status: criteria provided, single submitter. Criteria: ACMG Guidelines, 2015. Collection method: clinical testing. Allele origin: germline. Inheritance: Autosomal dominant inheritance. Observed: 1 variant allele, 1 heterozygote.
Comment: This missense variant replaces lysine with arginine at codon 181 of the BMPR1A protein. Computational prediction suggests that this variant may not impact protein structure and function (internally defined REVEL score threshold <= 0.5, PMID: 27666373). To our knowledge, functional studies have not been reported for this variant. This variant has not been reported in individuals affected with BMPR1A-related disorders in the literature. This variant has not been identified in the general population by the Genome Aggregation Database (gnomAD). The available evidence is insufficient to determine the role of this variant in disease conclusively. Therefore, this variant is classified as a Variant of Uncertain Significance.

This study involves interpretation of variants in research participants for the purpose of population health screening. Participant phenotype was not available at the time of variant classification. Additional details can be found in publication PMID: 35346344, PMCID: PMC8962531

Labcorp Genetics (formerly Invitae), Labcorp
Classification: Uncertain significance for Juvenile polyposis syndrome. Last evaluated: 2018-11-10. Review status: criteria provided, single submitter. Criteria: Invitae Variant Classification Sherloc (09022015). Collection method: clinical testing. Allele origin: germline.
Comment: This variant is not present in population databases (ExAC no frequency). This sequence change replaces lysine with arginine at codon 181 of the BMPR1A protein (p.Lys181Arg). The lysine residue is highly conserved and there is a small physicochemical difference between lysine and arginine. This variant has not been reported in the literature in individuals with BMPR1A-related disease. In summary, the available evidence is currently insufficient to determine the role of this variant in disease. Therefore, it has been classified as a Variant of Uncertain Significance. Algorithms developed to predict the effect of sequence changes on RNA splicing suggest that this variant may create or strengthen a splice site, but this prediction has not been confirmed by published transcriptional studies. Algorithms developed to predict the effect of missense changes on protein structure and function (SIFT, PolyPhen-2, Align-GVGD) all suggest that this variant is likely to be tolerated, but these predictions have not been confirmed by published functional studies and their clinical significance is uncertain.